The following is an entry in ClinVar:

NM_002519.3(NPAT):c.1369G>C (p.Gly457Arg)

Gene: NPAT (nuclear protein, coactivator of histone transcription; minus strand). Cytogenetic location: 11q22.3.
Variant type: single nucleotide variant.
Coding change: c.1369G>C on transcript NM_002519.3 (MANE Select); coding-DNA position 1369, G replaced by C.
Protein change: p.Gly457Arg; replaces glycine 457 with arginine.
Molecular consequence: missense variant.
Genome position (GRCh38, 1-based): chr11:108,173,615, C>G on the plus strand (G>C on the coding strand, the complement: NPAT is on the minus strand). VCF-style: chr11-108173615-C-G. GRCh37 (hg19) VCF-style: chr11-108044342-C-G.
Other names: c.1369G>C, p.Gly457Arg (NM_001321307.1); short protein forms G457R.
Identifiers: ClinVar variation 2562561 (VCV002562561.2), dbSNP rs1372468255, ClinGen allele CA382515455.

ClinVar aggregate classification (germline): Uncertain significance (1 of 4 stars; one submission).

Allele frequency attached by ClinVar (database versions not stated): gnomAD exomes below 0.00001.
gnomAD v4.1: 1 of 1,614,158 alleles (0.000062%); no homozygotes.

Submission:

Ambry Genetics
Classification: Uncertain significance. Last evaluated: 2023-04-03. Review status: criteria provided, single submitter. Criteria: Ambry Variant Classification Scheme 2023. Collection method: clinical testing. Allele origin: germline.
Comment: The p.G457R variant (also known as c.1369G>C), located in coding exon 13 of the NPAT gene, results from a G to C substitution at nucleotide position 1369. The glycine at codon 457 is replaced by arginine, an amino acid with dissimilar properties. This amino acid position is conserved. In addition, this alteration is predicted to be tolerated by in silico analysis. Since supporting evidence is limited at this time, the clinical significance of this alteration remains unclear.